The following is an entry in ClinVar:

NM_000363.5(TNNI3):c.232A>T (p.Thr78Ser)

Gene: TNNI3 (troponin I3, cardiac type; minus strand). Cytogenetic location: 19q13.42.
Variant type: single nucleotide variant.
Coding change: c.232A>T on transcript NM_000363.5 (MANE Select); coding-DNA position 232, A replaced by T.
Protein change: p.Thr78Ser; replaces threonine 78 with serine.
Molecular consequence: missense variant.
Genome position (GRCh38, 1-based): chr19:55,156,251, T>A on the plus strand (A>T on the coding strand, the complement: TNNI3 is on the minus strand). VCF-style: chr19-55156251-T-A. GRCh37 (hg19) VCF-style: chr19-55667619-T-A.
Other names: short protein forms T78S.
Identifiers: ClinVar variation 2455516 (VCV002455516.8), dbSNP rs786204399, ClinGen allele CA021381.

ClinVar aggregate classification (germline): Uncertain significance. Review status: criteria provided, multiple submitters, no conflicts (2 of 4 stars). 4 submissions from 4 submitters: Uncertain significance (4). Last evaluated 2026-08-03.

Conditions:
Cardiovascular phenotype. Identifiers: MedGen CN230736.
Cardiomyopathy (CMYO). Also called: Cardiomyopathies. Identifiers: Orphanet 167848, MedGen C0878544, MONDO:0004994, HP:0001638. Inheritance: Various modes of inheritance.
Hypertrophic cardiomyopathy. Also called: HYPERTROPHIC MYOCARDIOPATHY. Identifiers: Orphanet 217569, MedGen C0007194, MeSH D002312, MONDO:0005045, HP:0001639.

Allele frequency attached by ClinVar (database versions not stated): gnomAD 0.00001; gnomAD exomes 0.00001.

Submissions (4):

Ambry Genetics
Classification: Uncertain significance for Cardiovascular phenotype. Last evaluated: 2026-08-03. Review status: criteria provided, single submitter. Criteria: Ambry Variant Classification Scheme 2023. Collection method: clinical testing. Allele origin: germline.

Labcorp Genetics (formerly Invitae), Labcorp
Classification: Uncertain significance for Hypertrophic cardiomyopathy. Last evaluated: 2025-11-03. Review status: criteria provided, single submitter. Criteria: Invitae Variant Classification Sherloc (09022015). Collection method: clinical testing. Allele origin: germline.
Comment: This sequence change replaces threonine, which is neutral and polar, with serine, which is neutral and polar, at codon 78 of the TNNI3 protein (p.Thr78Ser). This variant is not present in population databases (gnomAD no frequency). This missense change has been observed in individual(s) with TNNI3-related conditions (PMID: 30731207). ClinVar contains an entry for this variant (Variation ID: 2455516). An algorithm developed to predict the effect of missense changes on protein structure and function outputs the following: PolyPhen-2: "Benign". The serine amino acid residue is found in multiple mammalian species, which suggests that this missense change does not adversely affect protein function. In summary, the available evidence is currently insufficient to determine the role of this variant in disease. Therefore, it has been classified as a Variant of Uncertain Significance.

Color Diagnostics, LLC DBA Color Health
Classification: Uncertain significance for Cardiomyopathy. Last evaluated: 2024-08-27. Review status: criteria provided, single submitter. Criteria: ACMG Guidelines, 2015. Collection method: clinical testing. Allele origin: germline.
Comment: This missense variant replaces threonine with serine at codon 78 of the TNNI3 protein. Computational prediction suggests that this variant may not impact protein structure and function. To our knowledge, functional studies have not been reported for this variant. This variant has not been reported in individuals affected with TNNI3-related disorders in the literature. This variant has not been identified in the general population by the Genome Aggregation Database (gnomAD). The available evidence is insufficient to determine the role of this variant in disease conclusively. Therefore, this variant is classified as a Variant of Uncertain Significance.

GeneDx
Classification: Uncertain significance. Last evaluated: 2024-07-03. Review status: criteria provided, single submitter. Criteria: GeneDx Variant Classification Process June 2021. Collection method: clinical testing. Allele origin: germline. Affected: yes.
Comment: Has not been previously published as pathogenic or benign in association with a TNNI3-related disorder to our knowledge; Not observed at significant frequency in large population cohorts (gnomAD); In silico analysis indicates that this missense variant does not alter protein structure/function; This variant is associated with the following publications: (PMID: 30731207)

Literature cited by the submitters: PubMed 30731207 (cited by Labcorp Genetics (formerly Invitae), Labcorp).